The following is an entry in ClinVar:

NM_014641.3(MDC1):c.3864C>A (p.Ala1288=)

Genes: MDC1 (mediator of DNA damage checkpoint 1; minus strand), MDC1-AS1 (MDC1 antisense RNA 1; plus strand). Cytogenetic location: 6p21.33.
Variant type: single nucleotide variant.
Coding change: c.3864C>A on transcript NM_014641.3 (MANE Select); coding-DNA position 3864, C replaced by A.
Protein change: p.Ala1288=; no amino-acid change (alanine 1288 retained).
Molecular consequence: synonymous variant.
Genome position (GRCh38, 1-based): chr6:30,705,319, G>T on the plus strand (C>A on the coding strand, the complement: MDC1 is on the minus strand). VCF-style: chr6-30705319-G-T. GRCh37 (hg19) VCF-style: chr6-30673096-G-T.
Identifiers: ClinVar variation 4872544 (VCV004872544.2).
Genomic context (GRCh38, chr6:30,705,319, plus strand): 5'-CCGAGATGTGGGCTTGGGGGTGACAGGTCGGTCTGTGGAGGTGGAAGGCCGGAGCTCAGG[G>T]GCTGTGGGCACAACTGGTTCAGGGGTCTTGACAGAGGATCTATTTTTTCTTCCCCTAGTA-3'
Protein context (NP_055456.2, residues 1278-1298): VKTPEPVVPT[Ala1288=]PELRPSTSTD

ClinVar aggregate classification (germline): Likely benign (1 of 4 stars; one submission).

Submission:

CeGaT Center for Human Genetics Tuebingen
Classification: Likely benign. Last evaluated: 2026-06-01. Review status: criteria provided, single submitter. Criteria: CeGaT Center For Human Genetics Tuebingen Variant Classification Criteria Version 2. Collection method: clinical testing. Allele origin: germline. Affected: yes. Observed: 1 variant allele.
Comment: MDC1: BP4, BP7